The following is an entry in ClinVar:

ClinVar aggregate classification (germline): Uncertain significance (1 of 4 stars; one submission).

Conditions:
Hereditary cancer-predisposing syndrome. Also called: Neoplastic Syndromes, Hereditary; Tumor predisposition; Hereditary neoplastic syndrome; Hereditary Cancer Syndrome. Identifiers: Orphanet 140162, MedGen C0027672, MeSH D009386, MONDO:0015356.

Submission:

Ambry Genetics
Classification: Uncertain significance for Hereditary cancer-predisposing syndrome. Last evaluated: 2023-11-29. Review status: criteria provided, single submitter. Criteria: Ambry Variant Classification Scheme 2023. Collection method: clinical testing. Allele origin: germline.
Comment: The p.L2279V variant (also known as c.6835T>G), located in coding exon 10 of the BRCA2 gene, results from a T to G substitution at nucleotide position 6835. The leucine at codon 2279 is replaced by valine, an amino acid with highly similar properties. This amino acid position is conserved. In addition, this alteration is predicted to be tolerated by in silico analysis. Since supporting evidence is limited at this time, the clinical significance of this alteration remains unclear.

NM_000059.4(BRCA2):c.6835T>G (p.Leu2279Val)

Gene: BRCA2 (BRCA2 DNA repair associated; plus strand). Cytogenetic location: 13q13.1.
Variant type: single nucleotide variant.
Coding change: c.6835T>G on transcript NM_000059.4 (MANE Select); coding-DNA position 6835, T replaced by G.
Protein change: p.Leu2279Val; replaces leucine 2279 with valine.
Molecular consequence: missense variant. On other transcripts: non-coding transcript variant (1), intron variant (2).
Genome position (GRCh38, 1-based): chr13:32,341,190, T>G. VCF-style: chr13-32341190-T-G. GRCh37 (hg19) VCF-style: chr13-32915327-T-G.
Other names: c.6835T>G, p.Leu2279Val (NM_001406719.1, NM_001406720.1); c.1910-3368T>G (NM_001406721.1); c.425-3368T>G (NM_001406722.1); short protein forms L2279V.
Identifiers: ClinVar variation 3228093 (VCV003228093.1), dbSNP rs2137531042, ClinGen allele CA387791494.